The following is an entry in ClinVar:

NM_000368.5(TSC1):c.2209-23_2209-20del

Gene: TSC1 (TSC complex subunit 1; minus strand). Cytogenetic location: 9q34.13.
Variant type: Deletion.
Coding change: c.2209-23_2209-20del on transcript NM_000368.5 (MANE Select); 23 bases into the intron before coding-DNA position 2209 through 20 bases into the intron before coding-DNA position 2209, 4 bases deleted (ATGA; older notation c.2209-23_2209-20delATGA).
Molecular consequence: intron variant.
Genome position (GRCh38, 1-based): chr9:132,902,807-132,902,810, TCAT deleted on the plus strand (ATGA on the coding strand, the reverse complement: TSC1 is on the minus strand). VCF-style (leftmost placement, unchanged base first): chr9-132902806-GTCAT-G. GRCh37 (hg19) VCF-style: chr9-135778193-GTCAT-G.
Other names: c.1843-23_1843-20del (NM_001406620.1, NM_001406625.1, NM_001406621.1 and 2 more transcripts); c.1846-23_1846-20del (NM_001406618.1, NM_001406617.1, NM_001406619.1 and 5 more transcripts); c.2053-23_2053-20del (NM_001406613.1, NM_001406612.1, NM_001406611.1); c.2056-23_2056-20del (NM_001406610.1, NM_001162427.2); c.1255-23_1255-20del (NM_001406627.1, NM_001406628.1); c.1156-23_1156-20del (NM_001406629.1, NM_001406630.1); c.2191-23_2191-20del (NM_001406603.1, NM_001406604.1); c.2206-23_2206-20del (NM_001406609.1, NM_001406597.1, NM_001406600.1 and 4 more transcripts); and 3 more.
Identifiers: ClinVar variation 4071357 (VCV004071357.1).
Genomic context (GRCh38, chr9:132,902,806, plus strand): 5'-CCACATCTGGATGTCCTTCTCTTGTAACTTCAACTGATCTTTCTAGCAGAGACCAGAAAT[GTCAT>G]CATTTTAGCTGTCTTCCAACACAGGCAATTTAACACACACTGCGAACATTTCATCTGAAT-3'

ClinVar aggregate classification (germline): Likely benign (1 of 4 stars; one submission).

Conditions:
Tuberous sclerosis 1 (TSC1). Identifiers: Orphanet 805, MedGen C1854465, MONDO:0008612, OMIM 191100.

Submission:

Myriad Genetics, Inc.
Classification: Likely benign for Tuberous sclerosis 1. Last evaluated: 2025-04-24. Review status: criteria provided, single submitter. Criteria: Myriad Autosomal Dominant, Autosomal Recessive and X-Linked Classification Criteria (2023). Collection method: clinical testing. Allele origin: unknown.
Comment: This variant is considered likely benign. This variant is intronic and is not expected to impact mRNA splicing.